The following is an entry in ClinVar:

ClinVar aggregate classification (germline): Conflicting classifications of pathogenicity. Review status: criteria provided, conflicting classifications (1 of 4 stars). 4 submissions from 4 submitters: Uncertain significance (3); Likely benign (1). Last evaluated 2024-12-14.

Conditions:
Hereditary breast ovarian cancer syndrome. Also called: Hereditary breast and ovarian cancer syndrome (HBOC); Hereditary breast and/or ovarian cancer syndrome; Hereditary breast and ovarian cancer; BRCA1- and BRCA2-Associated Hereditary Breast and Ovarian Cancer; Hereditary breast and ovarian cancer syndrome; Breast and ovarian cancer. Identifiers: Orphanet 145, MedGen C0677776, MeSH D061325, MONDO:0003582. Disease mechanism: loss of function.
Breast-ovarian cancer, familial, susceptibility to, 1 (BROVCA1). Also called: BRCA1 Hereditary Breast and Ovarian Cancer; OVARIAN CANCER, SUSCEPTIBILITY TO. Identifiers: Orphanet 145, MedGen C2676676, MONDO:0011450, OMIM 604370. Disease mechanism: loss of function.
Hereditary cancer-predisposing syndrome. Also called: Hereditary neoplastic syndrome; Tumor predisposition; Neoplastic Syndromes, Hereditary; Hereditary Cancer Syndrome. Identifiers: Orphanet 140162, MedGen C0027672, MeSH D009386, MONDO:0015356.

Submissions (4):

Ambry Genetics
Classification: Uncertain significance for Hereditary cancer-predisposing syndrome. Last evaluated: 2024-12-14. Review status: criteria provided, single submitter. Criteria: Ambry Variant Classification Scheme 2023. Collection method: clinical testing. Allele origin: germline.
Comment: The p.N243Y variant (also known as c.727A>T), located in coding exon 9 of the BRCA1 gene, results from an A to T substitution at nucleotide position 727. The asparagine at codon 243 is replaced by tyrosine, an amino acid with dissimilar properties. This amino acid position is not well conserved in available vertebrate species. In addition, this alteration is predicted to be deleterious by in silico analysis. Since supporting evidence is limited at this time, the clinical significance of this alteration remains unclear.

University of Washington Department of Laboratory Medicine, University of Washington
Classification: Likely benign for Hereditary cancer-predisposing syndrome. Last evaluated: 2023-03-23. Review status: criteria provided, single submitter. Criteria: Dines et al. (Genet Med. 2020). Collection method: curation. Allele origin: germline.
Comment: Missense variant in a coldspot region where missense variants are very unlikely to be pathogenic (PMID:31911673).

BRCA1 coldspot (exon 11 using historical exon numbering). Reclassification based on statistical prior probability

Labcorp Genetics (formerly Invitae), Labcorp
Classification: Uncertain significance for Hereditary breast ovarian cancer syndrome. Last evaluated: 2022-10-16. Review status: criteria provided, single submitter. Criteria: Invitae Variant Classification Sherloc (09022015). Collection method: clinical testing. Allele origin: germline.
Comment: This variant is not present in population databases (gnomAD no frequency). This sequence change replaces asparagine, which is neutral and polar, with tyrosine, which is neutral and polar, at codon 243 of the BRCA1 protein (p.Asn243Tyr). This variant has not been reported in the literature in individuals affected with BRCA1-related conditions. In summary, the available evidence is currently insufficient to determine the role of this variant in disease. Therefore, it has been classified as a Variant of Uncertain Significance. Advanced modeling of protein sequence and biophysical properties (such as structural, functional, and spatial information, amino acid conservation, physicochemical variation, residue mobility, and thermodynamic stability) performed at Invitae indicates that this missense variant is not expected to disrupt BRCA1 protein function. ClinVar contains an entry for this variant (Variation ID: 890442).

Illumina Laboratory Services, Illumina
Classification: Uncertain significance for Breast-ovarian cancer, familial, susceptibility to, 1. Last evaluated: 2018-01-15. Review status: criteria provided, single submitter. Criteria: ICSL Variant Classification Criteria 13 December 2019. Collection method: clinical testing. Allele origin: germline.

NM_007294.4(BRCA1):c.727A>T (p.Asn243Tyr)

Gene: BRCA1 (BRCA1 DNA repair associated; minus strand). Cytogenetic location: 17q21.31.
Variant type: single nucleotide variant.
Coding change: c.727A>T on transcript NM_007294.4 (MANE Select); coding-DNA position 727, A replaced by T.
Protein change: p.Asn243Tyr; replaces asparagine 243 with tyrosine.
Molecular consequence: missense variant. On other transcripts: non-coding transcript variant (1).
Genome position (GRCh38, 1-based): chr17:43,094,804, T>A on the plus strand (A>T on the coding strand, the complement: BRCA1 is on the minus strand). VCF-style: chr17-43094804-T-A. GRCh37 (hg19) VCF-style: chr17-41246821-T-A.
Other names: c.514A>T, p.Asn172Tyr (NM_001407571.1, NM_001407853.1, NM_001407894.1 and 12 more transcripts); c.727A>T, p.Asn243Tyr (NM_001407581.1, NM_001407582.1, NM_001407583.1 and 54 more transcripts); c.724A>T, p.Asn242Tyr (NM_001407587.1, NM_001407590.1, NM_001407591.1 and 38 more transcripts); c.718A>T, p.Asn240Tyr (NM_001407646.1, NM_001407647.1, NM_001408408.1); c.604A>T, p.Asn202Tyr (NM_001407648.1, NM_001407664.1, NM_001407665.1 and 34 more transcripts); c.601A>T, p.Asn201Tyr (NM_001407649.1, NM_001407670.1, NM_001407671.1 and 20 more transcripts); c.649A>T, p.Asn217Tyr (NM_001407653.1, NM_001407654.1, NM_001407655.1 and 9 more transcripts); c.646A>T, p.Asn216Tyr (NM_001407659.1, NM_001407660.1, NM_001407661.1 and 3 more transcripts); and 14 more; short protein forms N196Y, N243Y, N154Y, N195Y, N216Y, N242Y, N116Y, N172Y.
Identifiers: ClinVar variation 890442 (VCV000890442.13), dbSNP rs587782123, ClinGen allele CA10600629.